The following is an entry in ClinVar:

ClinVar aggregate classification (germline): Benign/Likely benign. Review status: criteria provided, multiple submitters, no conflicts (2 of 4 stars). 5 submissions from 4 submitters: Benign (3); Likely benign (2). Last evaluated 2025-12-24.

Conditions:
Pseudohypoaldosteronism, type IB1, autosomal recessive. Also called: Pseudohypoaldosteronism, Type I, Autosomal Recessive; PHA I, AUTOSOMAL RECESSIVE; Autosomal recessive pseudohypoaldosteronism type 1; Pseudohypoaldosteronism, Type I, Recessive. Identifiers: Orphanet 171876, Orphanet 756, MedGen C5774176, MONDO:0009917, OMIM 264350.
SCNN1A-related disorder. Also called: SCNN1A-related condition; SCNN1A-related disorders.
Bronchiectasis with or without elevated sweat chloride 2 (BESC2). Identifiers: Orphanet 60033, MedGen C2751666, MONDO:0013087, OMIM 613021.

Allele frequency attached by ClinVar (database versions not stated): TOPMed 0.00356; 1000 Genomes Project 0.00439; ESP Exome Variant Server 0.00446; 1000 Genomes Project 30x 0.00453.
gnomAD v4.1: 1,091 of 1,614,136 alleles (0.068%); highest among the groups gnomAD compares: African/African-American, 1.2%; 11 homozygotes.

Submissions (5):

Labcorp Genetics (formerly Invitae), Labcorp
Classification: Benign. Last evaluated: 2025-12-24. Review status: criteria provided, single submitter. Criteria: Invitae Variant Classification Sherloc (09022015). Collection method: clinical testing. Allele origin: germline.

PreventionGenetics, part of Exact Sciences
Classification: Benign for SCNN1A-related condition. Last evaluated: 2025-03-26. Review status: criteria provided, single submitter. Criteria: ACMG Guidelines, 2015. Collection method: clinical testing. Allele origin: germline.
Comment: This variant is classified as benign based on ACMG/AMP sequence variant interpretation guidelines (Richards et al. 2015 PMID: 25741868, with internal and published modifications).

Mayo Clinic Laboratories, Mayo Clinic
Classification: Likely benign. Last evaluated: 2025-03-05. Review status: criteria provided, single submitter. Criteria: ACMG Guidelines, 2015. Collection method: clinical testing. Allele origin: germline. Observed: 1 variant allele.
Comment: BS1, BP4_moderate

Illumina Laboratory Services, Illumina
Classification: Likely benign for Pseudohypoaldosteronism, type IB1, autosomal recessive. Last evaluated: 2018-01-13. Review status: criteria provided, single submitter. Criteria: ICSL Variant Classification Criteria 13 December 2019. Collection method: clinical testing. Allele origin: germline.
Comment: This variant was observed in the ICSL laboratory as part of a predisposition screen in an ostensibly healthy population. It had not been previously curated by ICSL or reported in the Human Gene Mutation Database (HGMD: prior to June 1st, 2018), and was therefore a candidate for classification through an automated scoring system. Utilizing variant allele frequency, disease prevalence and penetrance estimates, and inheritance mode, an automated score was calculated to assess if this variant is too frequent to cause the disease. Based on the score and internal cut-off values, a variant classified as likely benign is not then subjected to further curation. The score for this variant resulted in a classification of likely benign for this disease.

Illumina Laboratory Services, Illumina
Classification: Benign for Bronchiectasis with or without elevated sweat chloride 2. Last evaluated: 2018-01-13. Review status: criteria provided, single submitter. Criteria: ICSL Variant Classification Criteria 13 December 2019. Collection method: clinical testing. Allele origin: germline.
Comment: This variant was observed in the ICSL laboratory as part of a predisposition screen in an ostensibly healthy population. It had not been previously curated by ICSL or reported in the Human Gene Mutation Database (HGMD: prior to June 1st, 2018), and was therefore a candidate for classification through an automated scoring system. Utilizing variant allele frequency, disease prevalence and penetrance estimates, and inheritance mode, an automated score was calculated to assess if this variant is too frequent to cause the disease. Based on the score and internal cut-off values, a variant classified as benign is not then subjected to further curation. The score for this variant resulted in a classification of benign for this disease.

NM_001038.6(SCNN1A):c.1717G>A (p.Val573Ile)

Gene: SCNN1A (sodium channel epithelial 1 subunit alpha; minus strand). Cytogenetic location: 12p13.31.
Variant type: single nucleotide variant.
Coding change: c.1717G>A on transcript NM_001038.6 (MANE Select); coding-DNA position 1717, G replaced by A.
Protein change: p.Val573Ile; replaces valine 573 with isoleucine.
Molecular consequence: missense variant.
Genome position (GRCh38, 1-based): chr12:6,348,166, C>T on the plus strand (G>A on the coding strand, the complement: SCNN1A is on the minus strand). VCF-style: chr12-6348166-C-T. GRCh37 (hg19) VCF-style: chr12-6457332-C-T.
Other names: p.Val573Ile; c.1786G>A, p.Val596Ile (NM_001159575.2); c.1894G>A, p.Val632Ile (NM_001159576.2); short protein forms V573I, V596I, V632I.
Identifiers: ClinVar variation 719730 (VCV000719730.14), dbSNP rs59142484, ClinGen allele CA6405726.